The following is an entry in ClinVar:

NM_001365536.1(SCN9A):c.2516T>C (p.Leu839Pro)

Genes: SCN1A-AS1 (SCN1A and SCN9A antisense RNA 1; plus strand), SCN9A (sodium voltage-gated channel alpha subunit 9; minus strand). Cytogenetic location: 2q24.3.
Variant type: single nucleotide variant.
Coding change: c.2516T>C on transcript NM_001365536.1 (MANE Select); coding-DNA position 2516, T replaced by C.
Protein change: p.Leu839Pro; replaces leucine 839 with proline.
Molecular consequence: missense variant.
Genome position (GRCh38, 1-based): chr2:166,278,141, A>G on the plus strand (T>C on the coding strand, the complement: SCN9A is on the minus strand). VCF-style: chr2-166278141-A-G. GRCh37 (hg19) VCF-style: chr2-167134651-A-G.
Other names: c.2483T>C, p.Leu828Pro (NM_002977.4); short protein forms L828P, L839P.
Identifiers: ClinVar variation 4852467 (VCV004852467.1).

ClinVar aggregate classification (germline): Uncertain significance (1 of 4 stars; one submission).

Conditions:
Incidental Discovery. Identifiers: MedGen C1135954.

Submission:

Clinical Genetics Laboratory, Skane University Hospital Lund
Classification: Uncertain significance for Incidental Discovery. Last evaluated: 2026-06-02. Review status: criteria provided, single submitter. Criteria: ACMG Guidelines, 2015. Collection method: clinical testing. Allele origin: de novo.
Comment: Confirmed de novo. ACMG criteria applied: PM2, PP3.